The following is an entry in ClinVar:

ClinVar aggregate classification (germline): Uncertain significance. Review status: criteria provided, multiple submitters, no conflicts (2 of 4 stars). 3 submissions from 3 submitters: Uncertain significance (3). Last evaluated 2025-03-03.

Conditions:
Hereditary cancer-predisposing syndrome. Also called: Neoplastic Syndromes, Hereditary; Hereditary Cancer Syndrome; Tumor predisposition; Hereditary neoplastic syndrome. Identifiers: Orphanet 140162, MedGen C0027672, MeSH D009386, MONDO:0015356.
Ataxia-telangiectasia syndrome (AT). Also called: Ataxia-telangiectasia, complementation group D; AT, COMPLEMENTATION GROUP C; Ataxia-telangiectasia, complementation group E; Cerebello-oculocutaneous telangiectasia; Immunodeficiency with ataxia telangiectasia; ATAXIA-TELANGIECTASIA, COMPLEMENTATION GROUP A. Identifiers: Orphanet 100, MedGen C0004135, MONDO:0008840, OMIM 208900.

Allele frequency attached by ClinVar (database versions not stated): gnomAD exomes below 0.00001.
gnomAD v4.1: 2 of 1,614,034 alleles (0.00012%); highest among the groups gnomAD compares: Non-Finnish European, 0.000085%; no homozygotes.

Submissions (3):

Color Diagnostics, LLC DBA Color Health
Classification: Uncertain significance for Hereditary cancer-predisposing syndrome. Last evaluated: 2025-03-03. Review status: criteria provided, single submitter. Criteria: ACMG Guidelines, 2015. Collection method: clinical testing. Allele origin: germline.
Comment: This missense variant replaces glycine with valine at codon 1016 of the ATM protein. Computational prediction is inconclusive regarding the impact of this variant on protein structure and function (internally defined REVEL score threshold 0.5 < inconclusive < 0.7, PMID: 27666373). To our knowledge, functional studies have not been reported for this variant. This variant has not been reported in individuals affected with ATM-related disorders in the literature. This variant has not been identified in the general population by the Genome Aggregation Database (gnomAD). The available evidence is insufficient to determine the role of this variant in disease conclusively. Therefore, this variant is classified as a Variant of Uncertain Significance.

Labcorp Genetics (formerly Invitae), Labcorp
Classification: Uncertain significance for Ataxia-telangiectasia syndrome. Last evaluated: 2021-09-01. Review status: criteria provided, single submitter. Criteria: Invitae Variant Classification Sherloc (09022015). Collection method: clinical testing. Allele origin: germline.
Comment: This sequence change replaces glycine with valine at codon 1016 of the ATM protein (p.Gly1016Val). The glycine residue is highly conserved and there is a moderate physicochemical difference between glycine and valine. This variant is not present in population databases (ExAC no frequency). This variant has not been reported in the literature in individuals affected with ATM-related conditions. Algorithms developed to predict the effect of missense changes on protein structure and function are either unavailable or do not agree on the potential impact of this missense change (SIFT: "Deleterious"; PolyPhen-2: "Probably Damaging"; Align-GVGD: "Class C0"). Algorithms developed to predict the effect of sequence changes on RNA splicing suggest that this variant may create or strengthen a splice site. In summary, the available evidence is currently insufficient to determine the role of this variant in disease. Therefore, it has been classified as a Variant of Uncertain Significance.

Ambry Genetics
Classification: Uncertain significance for Hereditary cancer-predisposing syndrome. Last evaluated: 2021-02-01. Review status: criteria provided, single submitter. Criteria: Ambry Variant Classification Scheme 2023. Collection method: clinical testing. Allele origin: germline.
Comment: The p.G1016V variant (also known as c.3047G>T), located in coding exon 19 of the ATM gene, results from a G to T substitution at nucleotide position 3047. The glycine at codon 1016 is replaced by valine, an amino acid with dissimilar properties. This amino acid position is well conserved in available vertebrate species. In addition, the in silico prediction for this alteration is inconclusive. Since supporting evidence is limited at this time, the clinical significance of this alteration remains unclear.

NM_000051.4(ATM):c.3047G>T (p.Gly1016Val)

Gene: ATM (ATM serine/threonine kinase; plus strand). Cytogenetic location: 11q22.3.
Variant type: single nucleotide variant.
Coding change: c.3047G>T on transcript NM_000051.4 (MANE Select); coding-DNA position 3047, G replaced by T.
Protein change: p.Gly1016Val; replaces glycine 1016 with valine.
Molecular consequence: missense variant.
Genome position (GRCh38, 1-based): chr11:108,271,376, G>T. VCF-style: chr11-108271376-G-T. GRCh37 (hg19) VCF-style: chr11-108142103-G-T.
Other names: c.3047G>T, p.Gly1016Val (NM_001351834.2); short protein forms G1016V.
Identifiers: ClinVar variation 583264 (VCV000583264.9), dbSNP rs1565425832, ClinGen allele CA382547594.